The following is an entry in ClinVar:

NM_020937.4(FANCM):c.2582T>G (p.Ile861Arg)

Gene: FANCM (FA complementation group M; plus strand). Cytogenetic location: 14q21.2.
Variant type: single nucleotide variant.
Coding change: c.2582T>G on transcript NM_020937.4 (MANE Select); coding-DNA position 2582, T replaced by G.
Protein change: p.Ile861Arg; replaces isoleucine 861 with arginine.
Molecular consequence: missense variant.
Genome position (GRCh38, 1-based): chr14:45,175,336, T>G. VCF-style: chr14-45175336-T-G. GRCh37 (hg19) VCF-style: chr14-45644539-T-G.
Other names: c.2504T>G, p.Ile835Arg (NM_001308133.2); c.2582T>G (NM_020937.2); short protein forms I835R, I861R.
Identifiers: ClinVar variation 1685075 (VCV001685075.2), dbSNP rs901858017, ClinGen allele CA259627784.

ClinVar aggregate classification (germline): Conflicting classifications of pathogenicity. Review status: criteria provided, conflicting classifications (1 of 4 stars). 2 submissions from 2 submitters: Uncertain significance (1); Benign (1). Last evaluated 2025-01-06.

Conditions:
Inborn genetic diseases. Identifiers: MedGen C0950123, MeSH D030342.

Allele frequency attached by ClinVar (database versions not stated): gnomAD exomes below 0.00001.
gnomAD v4.1: 2 of 1,555,718 alleles (0.00013%); highest among the groups gnomAD compares: Admixed American, 0.002%; no homozygotes.

Submissions (2):

Ambry Genetics
Classification: Uncertain significance for Inborn genetic diseases. Last evaluated: 2025-01-06. Review status: criteria provided, single submitter. Criteria: Ambry Variant Classification Scheme 2023. Collection method: clinical testing. Allele origin: germline.
Comment: The p.I861R variant (also known as c.2582T>G), located in coding exon 14 of the FANCM gene, results from a T to G substitution at nucleotide position 2582. The isoleucine at codon 861 is replaced by arginine, an amino acid with similar properties. This amino acid position is conserved. In addition, this alteration is predicted to be tolerated by in silico analysis. Based on the available evidence, the clinical significance of this variant remains unclear.

Mendelics
Classification: Benign. Last evaluated: 2022-05-04. Review status: criteria provided, single submitter. Criteria: Mendelics Assertion Criteria 2019. Collection method: clinical testing. Allele origin: germline.